The following is an entry in ClinVar:

NM_001127222.2(CACNA1A):c.3868G>A (p.Glu1290Lys)

Gene: CACNA1A (calcium voltage-gated channel subunit alpha1 A; minus strand). Cytogenetic location: 19p13.13.
Variant type: single nucleotide variant.
Coding change: c.3868G>A on transcript NM_001127222.2 (MANE Select); coding-DNA position 3868, G replaced by A.
Protein change: p.Glu1290Lys; replaces glutamic acid 1290 with lysine.
Molecular consequence: missense variant.
Genome position (GRCh38, 1-based): chr19:13,277,083, C>T on the plus strand (G>A on the coding strand, the complement: CACNA1A is on the minus strand). VCF-style: chr19-13277083-C-T. GRCh37 (hg19) VCF-style: chr19-13387897-C-T.
Other names: c.3880G>A, p.Glu1294Lys (NM_000068.4, NM_023035.3); c.3871G>A, p.Glu1291Lys (NM_001127221.2, NM_001174080.2); short protein forms E1290K, E1291K, E1294K.
Identifiers: ClinVar variation 3730855 (VCV003730855.1).

ClinVar aggregate classification (germline): Uncertain significance (1 of 4 stars; one submission).

Submission:

GeneDx
Classification: Uncertain significance. Last evaluated: 2024-08-09. Review status: criteria provided, single submitter. Criteria: GeneDx Variant Classification Process June 2021. Collection method: clinical testing. Allele origin: germline. Affected: yes.
Comment: Not observed at significant frequency in large population cohorts (gnomAD); In silico analysis supports that this missense variant has a deleterious effect on protein structure/function; Has not been previously published as pathogenic or benign to our knowledge